The following is an entry in ClinVar:

NM_033004.4(NLRP1):c.55GAG[1] (p.Glu20del)

Genes: NLRP1 (NLR family pyrin domain containing 1; minus strand), LOC126862475 (CDK7 strongly-dependent group 2 enhancer GRCh37_chr17:5487167-5488366; plus strand). Cytogenetic location: 17p13.2.
Variant type: Microsatellite.
Coding change: c.55GAG[1] on transcript NM_033004.4 (MANE Select); one copy of the 3-base unit GAG starting at c.55; the reference has two copies in a row; one copy, 3 bases deleted.
Protein change: p.Glu20del; deletes glutamic acid 20.
Molecular consequence: inframe deletion.
Genome position (GRCh38, 1-based): chr17:5,583,898-5,583,900, CTC deleted on the plus strand (GAG on the coding strand, the reverse complement: NLRP1 is on the minus strand); deleting any 3 consecutive bases within chr17:5,583,898-5,583,905 gives the same sequence; the position shown is the placement nearest the transcript's 3' end. VCF-style (leftmost placement, unchanged base first): chr17-5583897-GCTC-G. GRCh37 (hg19) VCF-style: chr17-5487217-GCTC-G.
Other names: c.55GAG[1], p.Glu20del (NM_001033053.3, NM_014922.5, NM_033006.4 and 1 more transcripts); c.58_60delGAG (NM_033004.3); short protein forms E20del.
Identifiers: ClinVar variation 2970268 (VCV002970268.4), dbSNP rs2508145014, ClinGen allele CA2740095215.

ClinVar aggregate classification (germline): Uncertain significance. Review status: criteria provided, multiple submitters, no conflicts (2 of 4 stars). 2 submissions from 2 submitters: Uncertain significance (2). Last evaluated 2025-04-09.

Conditions:
NLRP1-related disorder. Also called: NLRP1-related condition.

Submissions (2):

Labcorp Genetics (formerly Invitae), Labcorp
Classification: Uncertain significance. Last evaluated: 2025-04-09. Review status: criteria provided, single submitter. Criteria: Invitae Variant Classification Sherloc (09022015). Collection method: clinical testing. Allele origin: germline.
Comment: This variant, c.58_60del, results in the deletion of 1 amino acid(s) of the NLRP1 protein (p.Glu20del), but otherwise preserves the integrity of the reading frame. This variant is not present in population databases (gnomAD no frequency). This variant has not been reported in the literature in individuals affected with NLRP1-related conditions. Experimental studies and prediction algorithms are not available or were not evaluated, and the functional significance of this variant is currently unknown. In summary, the available evidence is currently insufficient to determine the role of this variant in disease. Therefore, it has been classified as a Variant of Uncertain Significance.

PreventionGenetics, part of Exact Sciences
Classification: Uncertain significance for NLRP1-related condition. Last evaluated: 2025-03-28. Review status: criteria provided, single submitter. Criteria: ACMG Guidelines, 2015. Collection method: clinical testing. Allele origin: germline.
Comment: The NLRP1 c.58_60delGAG variant is predicted to result in an in-frame deletion (p.Glu20del). To our knowledge, this variant has not been reported in the literature or in a large population database (gnomAD), indicating this variant is rare. At this time, the clinical significance of this variant is uncertain due to the absence of conclusive functional and genetic evidence.